The following is an entry in ClinVar:

NM_001163435.3(TBCK):c.257A>G (p.Lys86Arg)

Gene: TBCK (TBC1 domain containing kinase; minus strand). Cytogenetic location: 4q24.
Variant type: single nucleotide variant.
Coding change: c.257A>G on transcript NM_001163435.3 (MANE Select); coding-DNA position 257, A replaced by G.
Protein change: p.Lys86Arg; replaces lysine 86 with arginine.
Molecular consequence: missense variant. On other transcripts: 5 prime UTR variant (1).
Genome position (GRCh38, 1-based): chr4:106,295,103, T>C on the plus strand (A>G on the coding strand, the complement: TBCK is on the minus strand). VCF-style: chr4-106295103-T-C. GRCh37 (hg19) VCF-style: chr4-107216260-T-C.
Other names: c.257A>G, p.Lys86Arg (NM_001163436.4, NM_001163437.3, NM_033115.5); c.-361A>G (NM_001290768.2); short protein forms K86R.
Identifiers: ClinVar variation 1487887 (VCV001487887.5), dbSNP rs1345914815, ClinGen allele CA357973107.

ClinVar aggregate classification (germline): Uncertain significance (1 of 4 stars; one submission).

Allele frequency attached by ClinVar (database versions not stated): gnomAD exomes below 0.00001 and 0.00001; gnomAD 0.00001.
gnomAD v4.1: 11 of 1,612,904 alleles (0.00068%); highest among the groups gnomAD compares: Non-Finnish European, 0.00076%; no homozygotes.

Submission:

Labcorp Genetics (formerly Invitae), Labcorp
Classification: Uncertain significance. Last evaluated: 2021-09-01. Review status: criteria provided, single submitter. Criteria: Invitae Variant Classification Sherloc (09022015). Collection method: clinical testing. Allele origin: germline.
Comment: This sequence change replaces lysine with arginine at codon 86 of the TBCK protein (p.Lys86Arg). The lysine residue is moderately conserved and there is a small physicochemical difference between lysine and arginine. This variant is not present in population databases (ExAC no frequency). This variant has not been reported in the literature in individuals affected with TBCK-related conditions. Algorithms developed to predict the effect of missense changes on protein structure and function output the following: SIFT: "Tolerated"; PolyPhen-2: "Benign"; Align-GVGD: "Class C0". The arginine amino acid residue is found in multiple mammalian species, which suggests that this missense change does not adversely affect protein function. In summary, the available evidence is currently insufficient to determine the role of this variant in disease. Therefore, it has been classified as a Variant of Uncertain Significance.